The following is an entry in ClinVar:

ClinVar aggregate classification (germline): Uncertain significance (1 of 4 stars; one submission).

gnomAD v4.1: 1 of 1,613,952 alleles (0.000062%); highest among the groups gnomAD compares: Non-Finnish European, 0.000085%; no homozygotes.

Submission:

Ambry Genetics
Classification: Uncertain significance. Last evaluated: 2025-03-03. Review status: criteria provided, single submitter. Criteria: Ambry Variant Classification Scheme 2023. Collection method: clinical testing. Allele origin: germline.
Comment: The p.P329R variant (also known as c.986C>G), located in coding exon 9 of the RAD51B gene, results from a C to G substitution at nucleotide position 986. The proline at codon 329 is replaced by arginine, an amino acid with dissimilar properties. This amino acid position is conserved. In addition, the in silico prediction for this alteration is inconclusive. Based on the available evidence, the clinical significance of this variant remains unclear.

NM_133510.4(RAD51B):c.986C>G (p.Pro329Arg)

Gene: RAD51B (RAD51 paralog B; plus strand). Cytogenetic location: 14q24.1.
Variant type: single nucleotide variant.
Coding change: c.986C>G on transcript NM_133510.4 (MANE Select); coding-DNA position 986, C replaced by G.
Protein change: p.Pro329Arg; replaces proline 329 with arginine.
Molecular consequence: missense variant.
Genome position (GRCh38, 1-based): chr14:68,468,200, C>G. VCF-style: chr14-68468200-C-G. GRCh37 (hg19) VCF-style: chr14-68934917-C-G.
Other names: c.986C>G, p.Pro329Arg (NM_001321809.2, NM_001321810.2, NM_001321812.1 and 6 more transcripts); c.872C>G, p.Pro291Arg (NM_001321815.1); c.629C>G, p.Pro210Arg (NM_001321817.2); short protein forms P291R, P329R, P210R.
Identifiers: ClinVar variation 3786473 (VCV003786473.1).